The following is an entry in ClinVar:

NM_000465.4(BARD1):c.313A>C (p.Ile105Leu)

Gene: BARD1 (BRCA1 associated RING domain 1; minus strand). Cytogenetic location: 2q35.
Variant type: single nucleotide variant.
Coding change: c.313A>C on transcript NM_000465.4 (MANE Select); coding-DNA position 313, A replaced by C.
Protein change: p.Ile105Leu; replaces isoleucine 105 with leucine.
Molecular consequence: missense variant. On other transcripts: non-coding transcript variant (1), intron variant (2).
Genome position (GRCh38, 1-based): chr2:214,792,348, T>G on the plus strand (A>C on the coding strand, the complement: BARD1 is on the minus strand). VCF-style: chr2-214792348-T-G. GRCh37 (hg19) VCF-style: chr2-215657072-T-G.
Other names: c.256A>C, p.Ile86Leu (NM_001282543.2); c.313A>C, p.Ile105Leu (NM_001282549.2); c.158+17064A>C (NM_001282548.2); c.215+4713A>C (NM_001282545.2); short protein forms I86L, I105L.
Identifiers: ClinVar variation 650731 (VCV000650731.9), dbSNP rs1574839522, ClinGen allele CA350460936.

ClinVar aggregate classification (germline): Uncertain significance (1 of 4 stars; one submission).

Conditions:
Familial cancer of breast. Also called: hereditary breast carcinoma; Hereditary breast cancer; BREAST CANCER, FAMILIAL. Identifiers: Orphanet 227535, MedGen C0346153, MONDO:0016419, OMIM 114480. Disease mechanism: loss of function.

Submission:

Labcorp Genetics (formerly Invitae), Labcorp
Classification: Uncertain significance for Familial cancer of breast. Last evaluated: 2018-07-10. Review status: criteria provided, single submitter. Criteria: Invitae Variant Classification Sherloc (09022015). Collection method: clinical testing. Allele origin: germline.
Comment: In summary, the available evidence is currently insufficient to determine the role of this variant in disease. Therefore, it has been classified as a Variant of Uncertain Significance. Algorithms developed to predict the effect of missense changes on protein structure and function are either unavailable or do not agree on the potential impact of this missense change (SIFT: "Tolerated"; PolyPhen-2: "Possibly Damaging"; Align-GVGD: "Class C0"). This variant has not been reported in the literature in individuals with BARD1-related disease. This variant is not present in population databases (ExAC no frequency). This sequence change replaces isoleucine with leucine at codon 105 of the BARD1 protein (p.Ile105Leu). The isoleucine residue is highly conserved and there is a small physicochemical difference between isoleucine and leucine.